The following is an entry in ClinVar:

NM_012281.3(KCND2):c.1A>T (p.Met1Leu)

Gene: KCND2 (potassium voltage-gated channel subfamily D member 2; plus strand). Cytogenetic location: 7q31.31.
Variant type: single nucleotide variant.
Coding change: c.1A>T on transcript NM_012281.3 (MANE Select); coding-DNA position 1, A replaced by T.
Protein change: p.Met1Leu; changes the start codon (methionine 1).
Molecular consequence: missense variant, initiator codon variant.
Genome position (GRCh38, 1-based): chr7:120,274,633, A>T. VCF-style: chr7-120274633-A-T. GRCh37 (hg19) VCF-style: chr7-119914687-A-T.
Other names: short protein forms M1L.
Identifiers: ClinVar variation 3728274 (VCV003728274.2).
Genomic context (GRCh38, chr7:120,274,633, plus strand): 5'-CTGCTTCGGTGACCCATTGTAGACGCCTCGTTACCCTTCTTCCTTCCGCTTCAAGTAATC[A>T]TGGCGGCGGGGGTGGCAGCGTGGCTGCCTTTTGCAAGGGCAGCGGCTATCGGGTGGATGC-3'
Protein context (NP_036413.1, residues 1-11): [Met1Leu]AAGVAAWLPF

ClinVar aggregate classification (germline): Uncertain significance (1 of 4 stars; one submission).

Conditions:
Early Myoclonic Encephalopathy. Identifiers: MedGen C0270855.

Submission:

Labcorp Genetics (formerly Invitae), Labcorp
Classification: Uncertain significance for Early Myoclonic Encephalopathy. Last evaluated: 2024-12-30. Review status: criteria provided, single submitter. Criteria: Invitae Variant Classification Sherloc (09022015). Collection method: clinical testing. Allele origin: germline.
Comment: This sequence change affects the initiator methionine of the KCND2 mRNA. The next in-frame methionine is located at codon 20. This variant is not present in population databases (gnomAD no frequency). Disruption of the initiator codon has been observed in individual(s) with clinical features of developmental and epileptic encephalopathy (internal data). Experimental studies and prediction algorithms are not available or were not evaluated, and the functional significance of this variant is currently unknown. In summary, the available evidence is currently insufficient to determine the role of this variant in disease. Therefore, it has been classified as a Variant of Uncertain Significance.